The following is an entry in ClinVar:

ClinVar aggregate classification (germline): Conflicting classifications of pathogenicity. Review status: criteria provided, conflicting classifications (1 of 4 stars). 2 submissions from 2 submitters: Likely pathogenic (1); Uncertain significance (1). Last evaluated 2025-12-21.

Conditions:
Oculocutaneous albinism type 4 (OCA4). Also called: Albinism, oculocutaneous, type IV. Identifiers: Orphanet 79435, MedGen C1847836, MONDO:0011683, OMIM 606574.

gnomAD v4.1: 5 of 1,614,102 alleles (0.00031%); highest among the groups gnomAD compares: East Asian, 0.011%; no homozygotes.

Submissions (2):

Labcorp Genetics (formerly Invitae), Labcorp
Classification: Uncertain significance. Last evaluated: 2025-12-21. Review status: criteria provided, single submitter. Criteria: Invitae Variant Classification Sherloc (09022015). Collection method: clinical testing. Allele origin: germline.
Comment: This sequence change replaces threonine, which is neutral and polar, with alanine, which is neutral and non-polar, at codon 440 of the SLC45A2 protein (p.Thr440Ala). This variant is present in population databases (rs762539147, gnomAD 0.02%). This missense change has been observed in individual(s) with SLC45A2-related conditions (PMID: 16965274, 30019506, 34838614). ClinVar contains an entry for this variant (Variation ID: 3382167). Invitae Evidence Modeling of protein sequence and biophysical properties (such as structural, functional, and spatial information, amino acid conservation, physicochemical variation, residue mobility, and thermodynamic stability) indicates that this missense variant is not expected to disrupt SLC45A2 protein function with a negative predictive value of 80%. In summary, the available evidence is currently insufficient to determine the role of this variant in disease. Therefore, it has been classified as a Variant of Uncertain Significance.

Juno Genomics, Hangzhou Juno Genomics, Inc
Classification: Likely pathogenic for Oculocutaneous albinism type 4. Review status: criteria provided, single submitter. Criteria: ACMG Guidelines, 2015. Collection method: clinical testing. Allele origin: germline. Affected: yes.
Comment: Absent from controls (or at extremely low frequency if recessive) in Genome Aggregation Database, Exome Sequencing Project, 1000 Genomes Project, or Exome Aggregation Consortium.;Multiple lines of computational evidence support a deleterious effect on the gene or gene product (conservation, evolutionary, splicing impact, etc).;For recessive disorders, detected in trans with a pathogenic variant.;Patient's phenotype or family history is highly specific for a disease with a single genetic etiology.

Literature cited by the submitters: PubMed 16965274 (cited by Labcorp Genetics (formerly Invitae), Labcorp); PubMed 30019506 (cited by Labcorp Genetics (formerly Invitae), Labcorp); PubMed 34838614 (cited by Labcorp Genetics (formerly Invitae), Labcorp).

NM_016180.5(SLC45A2):c.1318A>G (p.Thr440Ala)

Gene: SLC45A2 (solute carrier family 45 member 2; minus strand). Cytogenetic location: 5p13.2.
Variant type: single nucleotide variant.
Coding change: c.1318A>G on transcript NM_016180.5 (MANE Select); coding-DNA position 1318, A replaced by G.
Protein change: p.Thr440Ala; replaces threonine 440 with alanine.
Molecular consequence: missense variant.
Genome position (GRCh38, 1-based): chr5:33,947,213, T>C on the plus strand (A>G on the coding strand, the complement: SLC45A2 is on the minus strand). VCF-style: chr5-33947213-T-C. GRCh37 (hg19) VCF-style: chr5-33947318-T-C.
Other names: c.1318A>G, p.Thr440Ala (NM_001012509.4); short protein forms T440A.
Identifiers: ClinVar variation 3382167 (VCV003382167.3).